The following is an entry in ClinVar:

ClinVar aggregate classification (germline): Likely pathogenic (1 of 4 stars; one submission).

Conditions:
INSR-related disorder.

Submission:

PreventionGenetics, part of Exact Sciences
Classification: Likely pathogenic for INSR-related condition. Last evaluated: 2022-12-23. Review status: criteria provided, single submitter. Criteria: ACMG Guidelines, 2015. Collection method: clinical testing. Allele origin: germline.
Comment: The INSR c.595dupA variant is predicted to result in a frameshift and premature protein termination (p.Thr199Asnfs*15). To our knowledge, this variant has not been reported in the literature or in a large population database, indicating this variant is rare. Frameshift variants in INSR are expected to be pathogenic. This variant is interpreted as likely pathogenic.

NM_000208.4(INSR):c.595dup (p.Thr199fs)

Gene: INSR (insulin receptor; minus strand). Cytogenetic location: 19p13.2.
Variant type: Duplication.
Coding change: c.595dup on transcript NM_000208.4 (MANE Select); coding-DNA position 595, one base duplicated (A; older notation c.595dupA).
Protein change: p.Thr199fs; shifts the reading frame from threonine 199.
Molecular consequence: frameshift variant.
Genome position (GRCh38, 1-based): chr19:7,267,402, T duplicated on the plus strand (A on the coding strand, the reverse complement: INSR is on the minus strand). VCF-style (leftmost placement, unchanged base first): chr19-7267401-G-GT. GRCh37 (hg19) VCF-style: chr19-7267412-G-GT.
Other names: c.595dup, p.Thr199fs (NM_001079817.3); short protein forms T199fs.
Identifiers: ClinVar variation 2629914 (VCV002629914.1), dbSNP rs2512519713, ClinGen allele CA2695198112.